The following is an entry in ClinVar:

ClinVar aggregate classification (germline): Benign (1 of 4 stars; one submission).

Conditions:
Tuberous sclerosis 1 (TSC1). Identifiers: Orphanet 805, MedGen C1854465, MONDO:0008612, OMIM 191100.

Submission:

Myriad Genetics, Inc.
Classification: Benign for Tuberous sclerosis 1. Last evaluated: 2025-04-08. Review status: criteria provided, single submitter. Criteria: Myriad Autosomal Dominant, Autosomal Recessive and X-Linked Classification Criteria (2023). Collection method: clinical testing. Allele origin: unknown.
Comment: This variant is considered benign. This variant is a silent/synonymous amino acid change and it is not expected to impact splicing.

NM_000368.5(TSC1):c.351A>G (p.Leu117=)

Gene: TSC1 (TSC complex subunit 1; minus strand). Cytogenetic location: 9q34.13.
Variant type: single nucleotide variant.
Coding change: c.351A>G on transcript NM_000368.5 (MANE Select); coding-DNA position 351, A replaced by G.
Protein change: p.Leu117=; no amino-acid change (leucine 117 retained).
Molecular consequence: synonymous variant. On other transcripts: 5 prime UTR variant (18), non-coding transcript variant (5), intron variant (5).
Genome position (GRCh38, 1-based): chr9:132,925,599, T>C on the plus strand (A>G on the coding strand, the complement: TSC1 is on the minus strand). VCF-style: chr9-132925599-T-C. GRCh37 (hg19) VCF-style: chr9-135800986-T-C.
Other names: c.351A>G, p.Leu117= (NM_001162426.2, NM_001406592.1, NM_001406593.1 and 16 more transcripts); c.-13A>G (NM_001362177.2, NM_001406617.1, NM_001406618.1 and 5 more transcripts); c.-105A>G (NM_001406614.1, NM_001406616.1, NM_001406624.1); c.-138A>G (NM_001406615.1, NM_001406623.1); c.-527A>G (NM_001406626.1, NM_001406627.1, NM_001406628.1); c.-669A>G (NM_001406629.1); c.-743A>G (NM_001406630.1); c.210+1602A>G (NM_001406613.1, NM_001406612.1, NM_001406610.1 and 2 more transcripts).
Identifiers: ClinVar variation 4071243 (VCV004071243.1).
Genomic context (GRCh38, chr9:132,925,599, plus strand): 5'-AACTATACTCATAAAACCATTTCATTCAAATCCTTACAAACATCCTACCTTGAGACATTT[T>C]AGTAAAGAAGGCAAAAGAGGTGCTTGAGAGAGCTTATGCTTCCAAGATGGCTGCAGTCTT-3'
Protein context (NP_000359.1, residues 107-127): LSQAPLLPSL[Leu117=]KCLKMDTDVV